The following is an entry in ClinVar:

NM_003322.6(TULP1):c.1255del (p.Arg419fs)

Gene: TULP1 (TUB like protein 1; minus strand). Cytogenetic location: 6p21.31.
Variant type: Deletion.
Coding change: c.1255del on transcript NM_003322.6 (MANE Select); coding-DNA position 1255, one base deleted (C; older notation c.1255delC).
Protein change: p.Arg419fs; shifts the reading frame from arginine 419.
Molecular consequence: frameshift variant.
Genome position (GRCh38, 1-based): chr6:35,503,627, G deleted on the plus strand (C on the coding strand, the reverse complement: TULP1 is on the minus strand); the first of 5 consecutive G bases (chr6:35,503,627-35,503,631); deleting any one gives the same sequence. VCF-style (leftmost placement, unchanged base first): chr6-35503626-CG-C. GRCh37 (hg19) VCF-style: chr6-35471403-CG-C.
Other names: c.1096del, p.Arg366fs (NM_001289395.2); short protein forms R366fs, R419fs.
Identifiers: ClinVar variation 1028595 (VCV001028595.9), dbSNP rs1387418594, ClinGen allele CA566703208.

ClinVar aggregate classification (germline): Pathogenic/Likely pathogenic. Review status: criteria provided, multiple submitters, no conflicts (2 of 4 stars). 3 submissions from 3 submitters: Pathogenic (1); Likely pathogenic (2). Last evaluated 2024-04-03.

Conditions:
TULP1-related disorder. Also called: TULP1-related disorders; TULP1-related condition.
Retinitis pigmentosa 14 (RP14). Also called: RETINITIS PIGMENTOSA, JUVENILE, TULP1-RELATED. Identifiers: Orphanet 791, MedGen C1838603, MONDO:0010827, OMIM 600132.
Leber congenital amaurosis 15 (LCA15). Identifiers: Orphanet 65, MedGen C3151206, MONDO:0013457, OMIM 613843.

Submissions (3):

Labcorp Genetics (formerly Invitae), Labcorp
Classification: Pathogenic. Last evaluated: 2024-04-03. Review status: criteria provided, single submitter. Criteria: Invitae Variant Classification Sherloc (09022015). Collection method: clinical testing. Allele origin: germline.
Comment: This sequence change creates a premature translational stop signal (p.Arg419Glyfs*3) in the TULP1 gene. It is expected to result in an absent or disrupted protein product. Loss-of-function variants in TULP1 are known to be pathogenic (PMID: 8606774, 10549638, 15024725, 18055821). The frequency data for this variant in the population databases is considered unreliable, as metrics indicate poor data quality at this position in the gnomAD database. This variant has not been reported in the literature in individuals affected with TULP1-related conditions. ClinVar contains an entry for this variant (Variation ID: 1028595). For these reasons, this variant has been classified as Pathogenic.

Fulgent Genetics
Classification: Likely pathogenic for Retinitis pigmentosa 14; Leber congenital amaurosis 15. Last evaluated: 2024-02-13. Review status: criteria provided, single submitter. Criteria: ACMG Guidelines, 2015. Collection method: clinical testing. Allele origin: germline.

Blueprint Genetics
Classification: Likely pathogenic for TULP1-related disorders. Last evaluated: 2019-02-12. Review status: criteria provided, single submitter. Criteria: ACMG Guidelines, 2015. Collection method: clinical testing. Allele origin: germline. Affected: yes. Observed: 1 variant allele.

Literature cited by the submitters: PubMed 8606774 (cited by Labcorp Genetics (formerly Invitae), Labcorp); PubMed 10549638 (cited by Labcorp Genetics (formerly Invitae), Labcorp); PubMed 15024725 (cited by Labcorp Genetics (formerly Invitae), Labcorp); PubMed 18055821 (cited by Labcorp Genetics (formerly Invitae), Labcorp).